The following is an entry in ClinVar:

ClinVar aggregate classification (germline): Uncertain significance (1 of 4 stars; one submission).

Conditions:
Mowat-Wilson syndrome (MOWS). Also called: Classic Mowat-Wilson Syndrome. Identifiers: Orphanet 2152, MedGen C1856113, MONDO:0009341, OMIM 235730.

Allele frequency attached by ClinVar (database versions not stated): TOPMed 0.00002.
gnomAD v4.1: 1 of 1,614,080 alleles (0.000062%); highest among the groups gnomAD compares: African/African-American, 0.0013%; no homozygotes.

Submission:

Labcorp Genetics (formerly Invitae), Labcorp
Classification: Uncertain significance for Mowat-Wilson syndrome. Last evaluated: 2024-08-07. Review status: criteria provided, single submitter. Criteria: Invitae Variant Classification Sherloc (09022015). Collection method: clinical testing. Allele origin: germline.
Comment: This sequence change replaces asparagine, which is neutral and polar, with lysine, which is basic and polar, at codon 847 of the ZEB2 protein (p.Asn847Lys). This variant is present in population databases (rs759097498, gnomAD 0.007%). This variant has not been reported in the literature in individuals affected with ZEB2-related conditions. ClinVar contains an entry for this variant (Variation ID: 575296). Advanced modeling performed at Invitae incorporating data from internal and/or published experimental studies (Invitae) indicates that this missense variant is not expected to disrupt ZEB2 function with a negative predictive value of 95%. In summary, the available evidence is currently insufficient to determine the role of this variant in disease. Therefore, it has been classified as a Variant of Uncertain Significance.

NM_014795.4(ZEB2):c.2541C>A (p.Asn847Lys)

Gene: ZEB2 (zinc finger E-box binding homeobox 2; minus strand). Cytogenetic location: 2q22.3.
Variant type: single nucleotide variant.
Coding change: c.2541C>A on transcript NM_014795.4 (MANE Select); coding-DNA position 2541, C replaced by A.
Protein change: p.Asn847Lys; replaces asparagine 847 with lysine.
Molecular consequence: missense variant.
Genome position (GRCh38, 1-based): chr2:144,398,646, G>T on the plus strand (C>A on the coding strand, the complement: ZEB2 is on the minus strand). VCF-style: chr2-144398646-G-T. GRCh37 (hg19) VCF-style: chr2-145156213-G-T.
Other names: c.2469C>A, p.Asn823Lys (NM_001171653.2); short protein forms N847K, N823K.
Identifiers: ClinVar variation 575296 (VCV000575296.8), dbSNP rs759097498, ClinGen allele CA1898234.
Genomic context (GRCh38, chr2:144,398,646, plus strand): 5'-CTTCTTGATAAAAGTCAAGTTCAGAGGCTCATCTGAGTTTTCAGATGAGGAAGAAACACT[G>T]TTATGATCTAAACTGATGCTACTAGCTTTTGTTTTGTTCTTTGTGGCTATAATACTTTTG-3'
Protein context (NP_055610.1, residues 837-857): TKASSISLDH[Asn847Lys]SVSSSSENSD